The following is an entry in ClinVar:

NM_033026.6(PCLO):c.10126G>T (p.Val3376Phe)

Gene: PCLO (piccolo presynaptic cytomatrix protein; minus strand). Cytogenetic location: 7q21.11.
Variant type: single nucleotide variant.
Coding change: c.10126G>T on transcript NM_033026.6 (MANE Select); coding-DNA position 10126, G replaced by T.
Protein change: p.Val3376Phe; replaces valine 3376 with phenylalanine.
Molecular consequence: missense variant.
Genome position (GRCh38, 1-based): chr7:82,950,462, C>A on the plus strand (G>T on the coding strand, the complement: PCLO is on the minus strand). VCF-style: chr7-82950462-C-A. GRCh37 (hg19) VCF-style: chr7-82579778-C-A.
Other names: c.10126G>T, p.Val3376Phe (NM_014510.3); short protein forms V3376F.
Identifiers: ClinVar variation 1942587 (VCV001942587.5), dbSNP rs755305348, ClinGen allele CA4319788.

ClinVar aggregate classification (germline): Uncertain significance (1 of 4 stars; one submission).

gnomAD v4.1: 3 of 1,613,668 alleles (0.00019%); highest among the groups gnomAD compares: African/African-American, 0.0027%; no homozygotes.

Submission:

Labcorp Genetics (formerly Invitae), Labcorp
Classification: Uncertain significance. Last evaluated: 2023-08-17. Review status: criteria provided, single submitter. Criteria: Invitae Variant Classification Sherloc (09022015). Collection method: clinical testing. Allele origin: germline.
Comment: In summary, the available evidence is currently insufficient to determine the role of this variant in disease. Therefore, it has been classified as a Variant of Uncertain Significance. Experimental studies and prediction algorithms are not available or were not evaluated, and the functional significance of this variant is currently unknown. ClinVar contains an entry for this variant (Variation ID: 1942587). This variant has not been reported in the literature in individuals affected with PCLO-related conditions. This variant is present in population databases (rs755305348, gnomAD 0.007%). This sequence change replaces valine, which is neutral and non-polar, with phenylalanine, which is neutral and non-polar, at codon 3376 of the PCLO protein (p.Val3376Phe).